The following is an entry in ClinVar:

ClinVar aggregate classification (germline): Uncertain significance (1 of 4 stars; one submission).

Submission:

GeneDx
Classification: Uncertain significance. Last evaluated: 2025-02-03. Review status: criteria provided, single submitter. Criteria: GeneDx Variant Classification Process June 2021. Collection method: clinical testing. Allele origin: germline.
Comment: In silico analysis supports that this missense variant has a deleterious effect on protein structure/function; Has not been previously published as pathogenic or benign to our knowledge

NM_030632.3(ASXL3):c.6197G>T (p.Arg2066Ile)

Gene: ASXL3 (ASXL transcriptional regulator 3; plus strand). Cytogenetic location: 18q12.1.
Variant type: single nucleotide variant.
Coding change: c.6197G>T on transcript NM_030632.3 (MANE Select); coding-DNA position 6197, G replaced by T.
Protein change: p.Arg2066Ile; replaces arginine 2066 with isoleucine.
Molecular consequence: missense variant.
Genome position (GRCh38, 1-based): chr18:33,746,045, G>T. VCF-style: chr18-33746045-G-T. GRCh37 (hg19) VCF-style: chr18-31326009-G-T.
Other names: short protein forms R2066I.
Identifiers: ClinVar variation 3368215 (VCV003368215.2).